The following is an entry in ClinVar:

ClinVar aggregate classification (germline): Uncertain significance (1 of 4 stars; one submission).

Submission:

Labcorp Genetics (formerly Invitae), Labcorp
Classification: Uncertain significance. Last evaluated: 2022-09-06. Review status: criteria provided, single submitter. Criteria: Invitae Variant Classification Sherloc (09022015). Collection method: clinical testing. Allele origin: germline.
Comment: In summary, the available evidence is currently insufficient to determine the role of this variant in disease. Therefore, it has been classified as a Variant of Uncertain Significance. Experimental studies and prediction algorithms are not available or were not evaluated, and the functional significance of this variant is currently unknown. This variant has not been reported in the literature in individuals affected with RNF13-related conditions. This variant is a gross deletion of the genomic region encompassing exon(s) 10-11 of the RNF13 gene, which includes the termination codon. This deletion extends beyond the assayed region for this gene and therefore may encompass additional genes. While this deletion is not anticipated to lead to nonsense mediated decay, it is expected to alter mRNA translation or result in a truncated protein product.

NC_000003.11:g.(?_149677823)_(149678891_?)del

Gene: RNF13 (ring finger protein 13; plus strand). Cytogenetic location: 3q25.1.
Variant type: Deletion.
Identifiers: ClinVar variation 2425708 (VCV002425708.4).